The following is an entry in ClinVar:

ClinVar aggregate classification (germline): Likely benign (1 of 4 stars; one submission).

Allele frequency attached by ClinVar (database versions not stated): 1000 Genomes Project 0.00240; 1000 Genomes Project 30x 0.00250; TOPMed 0.00471; gnomAD 0.00474; ExAC 0.00509; ESP Exome Variant Server 0.00569; gnomAD exomes 0.00696.
gnomAD v4.1: 10,769 of 1,605,560 alleles (0.67%); highest among the groups gnomAD compares: Non-Finnish European, 0.82%; 41 homozygotes.

Submission:

CeGaT Center for Human Genetics Tuebingen
Classification: Likely benign. Last evaluated: 2022-07-01. Review status: criteria provided, single submitter. Criteria: CeGaT Center For Human Genetics Tuebingen Variant Classification Criteria Version 2. Collection method: clinical testing. Allele origin: germline. Affected: yes. Observed: 1 variant allele.
Comment: ZNF534: BP4, BP7, BS2

NM_001143938.3(ZNF534):c.1497T>C (p.Cys499=)

Gene: ZNF534 (zinc finger protein 534; plus strand). Cytogenetic location: 19q13.41.
Variant type: single nucleotide variant.
Coding change: c.1497T>C on transcript NM_001143938.3 (MANE Select); coding-DNA position 1497, T replaced by C.
Protein change: p.Cys499=; no amino-acid change (cysteine 499 retained).
Molecular consequence: synonymous variant. On other transcripts: intron variant (2).
Genome position (GRCh38, 1-based): chr19:52,438,957, T>C. VCF-style: chr19-52438957-T-C. GRCh37 (hg19) VCF-style: chr19-52942210-T-C.
Other names: c.1536T>C, p.Cys512= (NM_001143939.3); c.1413T>C, p.Cys471= (NM_001351679.2); c.271+3748T>C (NM_001291368.4); c.142+4876T>C (NM_001291369.4).
Identifiers: ClinVar variation 2650393 (VCV002650393.24), dbSNP rs62110197, ClinGen allele CA9624282.